The following is an entry in ClinVar:

NM_005732.4(RAD50):c.558T>G (p.Ile186Met)

Gene: RAD50 (RAD50 double strand break repair protein; plus strand). Cytogenetic location: 5q31.1.
Variant type: single nucleotide variant.
Coding change: c.558T>G on transcript NM_005732.4 (MANE Select); coding-DNA position 558, T replaced by G.
Protein change: p.Ile186Met; replaces isoleucine 186 with methionine.
Molecular consequence: missense variant.
Genome position (GRCh38, 1-based): chr5:132,579,868, T>G. VCF-style: chr5-132579868-T-G. GRCh37 (hg19) VCF-style: chr5-131915560-T-G.
Other names: short protein forms I186M.
Identifiers: ClinVar variation 486254 (VCV000486254.13), dbSNP rs1278218078, ClinGen allele CA360935414.
Genomic context (GRCh38, chr5:132,579,868, plus strand): 5'-ATATACCATAATTTACTTTGCCAGAAATTTGATTTTTGTTTCATATCTTCAAAGATACAT[T>G]AAAGCCTTAGAAACACTTCGGCAGGTACGTCAGACACAAGGTCAGAAAGTAAAAGAATAT-3'
Protein context (NP_005723.2, residues 176-196): FDEIFSATRY[Ile186Met]KALETLRQVR

ClinVar aggregate classification (germline): Uncertain significance. Review status: criteria provided, multiple submitters, no conflicts (2 of 4 stars). 2 submissions from 2 submitters: Uncertain significance (2). Last evaluated 2023-04-16.

Conditions:
Hereditary cancer-predisposing syndrome. Also called: Tumor predisposition; Hereditary Cancer Syndrome; Hereditary neoplastic syndrome; Neoplastic Syndromes, Hereditary. Identifiers: Orphanet 140162, MedGen C0027672, MeSH D009386, MONDO:0015356.

gnomAD v4.1: 1 of 1,610,026 alleles (0.000062%); highest among the groups gnomAD compares: Non-Finnish European, 0.000085%; no homozygotes.

Submissions (2):

Ambry Genetics
Classification: Uncertain significance for Hereditary cancer-predisposing syndrome. Last evaluated: 2023-04-16. Review status: criteria provided, single submitter. Criteria: Ambry Variant Classification Scheme 2023. Collection method: clinical testing. Allele origin: germline.
Comment: The p.I186M variant (also known as c.558T>G), located in coding exon 5 of the RAD50 gene, results from a T to G substitution at nucleotide position 558. The isoleucine at codon 186 is replaced by methionine, an amino acid with highly similar properties. This variant was not reported in population based cohorts in the following databases: Database of Single Nucleotide Polymorphisms (dbSNP), NHLBI Exome Sequencing Project (ESP), and 1000 Genomes Project. In the ESP, this variant was not observed in 6500 samples (13000 alleles) with coverage at this position. To date, this alteration has been detected with an allele frequency of approximately 0.001% (greater than 175000 alleles tested) in our clinical cohort. This amino acid position is highly conserved in available vertebrate species. In addition, the in silico prediction for this alteration is inconclusive. Since supporting evidence is limited at this time, the clinical significance of this alteration remains unclear.

Labcorp Genetics (formerly Invitae), Labcorp
Classification: Uncertain significance for Hereditary cancer-predisposing syndrome. Last evaluated: 2021-06-25. Review status: criteria provided, single submitter. Criteria: Invitae Variant Classification Sherloc (09022015). Collection method: clinical testing. Allele origin: germline.
Comment: Algorithms developed to predict the effect of missense changes on protein structure and function are either unavailable or do not agree on the potential impact of this missense change (SIFT: "Tolerated"; PolyPhen-2: "Probably Damaging"; Align-GVGD: "Class C0"). In summary, the available evidence is currently insufficient to determine the role of this variant in disease. Therefore, it has been classified as a Variant of Uncertain Significance. This sequence change replaces isoleucine with methionine at codon 186 of the RAD50 protein (p.Ile186Met). The isoleucine residue is moderately conserved and there is a small physicochemical difference between isoleucine and methionine. This variant is not present in population databases (ExAC no frequency). This variant has not been reported in the literature in individuals with RAD50-related conditions. ClinVar contains an entry for this variant (Variation ID: 486254).